The following is an entry in ClinVar:

NM_006907.4(PYCR1):c.59dup (p.Ala21fs)

Gene: PYCR1 (pyrroline-5-carboxylate reductase 1; minus strand). Cytogenetic location: 17q25.3.
Variant type: Duplication.
Coding change: c.59dup on transcript NM_006907.4 (MANE Select); coding-DNA position 59, one base duplicated (C; older notation c.59dupC).
Protein change: p.Ala21fs; shifts the reading frame from alanine 21.
Molecular consequence: frameshift variant.
Genome position (GRCh38, 1-based): chr17:81,936,756, G duplicated on the plus strand (C on the coding strand, the reverse complement: PYCR1 is on the minus strand). VCF-style (leftmost placement, unchanged base first): chr17-81936755-T-TG. GRCh37 (hg19) VCF-style: chr17-79894631-T-TG.
Other names: c.59dup, p.Ala21fs (NM_001282279.2, NM_001282280.2, NM_001330523.2 and 1 more transcripts); c.140dup, p.Ala48fs (NM_001282281.2); short protein forms A21fs, A48fs.
Identifiers: ClinVar variation 488457 (VCV000488457.5), dbSNP rs762218403, ClinGen allele CA8845608.

ClinVar aggregate classification (germline): Pathogenic. Review status: criteria provided, single submitter (1 of 4 stars). 2 submissions from 2 submitters: Pathogenic (1). 1 of the submissions does not count toward it. Last evaluated 2024-10-08.

Conditions:
Autosomal recessive cutis laxa type 2B (ARCL2B). Also called: CUTIS LAXA, AUTOSOMAL RECESSIVE, TYPE IIB; CUTIS LAXA WITH PROGEROID FEATURES. Identifiers: Orphanet 357064, MedGen C2751987, MONDO:0013051, OMIM 612940. Disease mechanism: loss of function.

Allele frequency attached by ClinVar (database versions not stated): gnomAD exomes 0.00001 and 0.00002; TOPMed 0.00001; ExAC 0.00001; gnomAD 0.00001.

Submissions (2):

Labcorp Genetics (formerly Invitae), Labcorp
Classification: Pathogenic. Last evaluated: 2024-10-08. Review status: criteria provided, single submitter. Criteria: Invitae Variant Classification Sherloc (09022015). Collection method: clinical testing. Allele origin: germline.
Comment: This sequence change creates a premature translational stop signal (p.Ala21Serfs*13) in the PYCR1 gene. It is expected to result in an absent or disrupted protein product. Loss-of-function variants in PYCR1 are known to be pathogenic (PMID: 19648921). This variant is present in population databases (rs762218403, gnomAD 0.003%). This premature translational stop signal has been observed in individual(s) with PYCR1-related conditions (PMID: 35599849). ClinVar contains an entry for this variant (Variation ID: 488457). For these reasons, this variant has been classified as Pathogenic.

Molecular Genetics Laboratory, BC Children's and BC Women's Hospitals
Classification: Pathogenic for PYCR1-related cutis laxa. Last evaluated: 2017-07-24. Review status: no assertion criteria provided. Criteria: ACMG Guidelines, 2015. Collection method: clinical testing. Allele origin: germline. Affected: yes. Not counted in ClinVar's aggregate classification.

Literature cited by the submitters: PubMed 19648921 (cited by Labcorp Genetics (formerly Invitae), Labcorp); PubMed 35599849 (cited by Labcorp Genetics (formerly Invitae), Labcorp).